The following is an entry in ClinVar:

NM_201384.3(PLEC):c.7229C>T (p.Ala2410Val)

Gene: PLEC (plectin; minus strand). Cytogenetic location: 8q24.3.
Variant type: single nucleotide variant.
Coding change: c.7229C>T on transcript NM_201384.3 (MANE Select); coding-DNA position 7229, C replaced by T.
Protein change: p.Ala2410Val; replaces alanine 2410 with valine.
Molecular consequence: missense variant.
Genome position (GRCh38, 1-based): chr8:143,922,700, G>A on the plus strand (C>T on the coding strand, the complement: PLEC is on the minus strand). VCF-style: chr8-143922700-G-A. GRCh37 (hg19) VCF-style: chr8-144996868-G-A.
Other names: c.7310C>T, p.Ala2437Val (NM_000445.5); c.7187C>T, p.Ala2396Val (NM_201378.4); c.7163C>T, p.Ala2388Val (NM_201379.3); c.7640C>T, p.Ala2547Val (NM_201380.4); c.7133C>T, p.Ala2378Val (NM_201381.3); c.7229C>T, p.Ala2410Val (NM_201382.4); c.7241C>T, p.Ala2414Val (NM_201383.3); short protein forms A2414V, A2378V, A2396V, A2437V, A2388V, A2410V, A2547V.
Identifiers: ClinVar variation 539057 (VCV000539057.53), dbSNP rs543422533, ClinGen allele CA4925721.

ClinVar aggregate classification (germline): Conflicting classifications of pathogenicity. Review status: criteria provided, conflicting classifications (1 of 4 stars). 3 submissions from 3 submitters: Uncertain significance (1); Likely benign (2). Last evaluated 2026-01-21.

Conditions:
PLEC-related disorder. Also called: PLEC-related disorders; PLEC-related condition.
Epidermolysis bullosa simplex 5B, with muscular dystrophy (EBS5B). Also called: EPIDERMOLYSIS BULLOSA SIMPLEX AND LIMB-GIRDLE MUSCULAR DYSTROPHY; Epidermolysis bullosa simplex with muscular dystrophy. Identifiers: Orphanet 257, MedGen C2931072, MONDO:0009181, OMIM 226670.
Epidermolysis bullosa simplex, Ogna type (EBS5A). Also called: Pidermolysis bullosa simplex 5A, Ogna type; EPIDERMOLYSIS BULLOSA SIMPLEX 5A, OGNA TYPE. Identifiers: Orphanet 79401, MedGen C0432317, MONDO:0007555, OMIM 131950.
Epidermolysis bullosa simplex 5C, with pyloric atresia (EBS5C). Also called: PLEC1-Related Epidermolysis Bullosa with Pyloric Atresia; PLEC-Related Epidermolysis Bullosa with Pyloric Atresia; Epidermolysis bullosa simplex with pyloric atresia. Identifiers: Orphanet 158684, MedGen C2677349, MONDO:0012807, OMIM 612138.
Epidermolysis bullosa simplex with nail dystrophy (EBS5D). Identifiers: MedGen C4225309, MONDO:0014661, OMIM 616487.
Autosomal recessive limb-girdle muscular dystrophy type 2Q (LGMDR17). Also called: MUSCULAR DYSTROPHY, LIMB-GIRDLE, AUTOSOMAL RECESSIVE 17. Identifiers: Orphanet 254361, MedGen C3150989, MONDO:0013390, OMIM 613723.

Allele frequency attached by ClinVar (database versions not stated): gnomAD 0.00005 and 0.00019; TOPMed 0.00005; gnomAD exomes 0.00044; ExAC 0.00053; 1000 Genomes Project 30x 0.00109; 1000 Genomes Project 0.00120.
gnomAD v4.1: 380 of 1,612,576 alleles (0.024%); highest among the groups gnomAD compares: South Asian, 0.35%; 5 homozygotes.

Submissions (4):

Labcorp Genetics (formerly Invitae), Labcorp
Classification: Likely benign for Autosomal recessive limb-girdle muscular dystrophy type 2Q; Epidermolysis bullosa simplex, Ogna type; Epidermolysis bullosa simplex with nail dystrophy; Epidermolysis bullosa simplex 5C, with pyloric atresia; Epidermolysis bullosa simplex 5B, with muscular dystrophy. Last evaluated: 2026-01-21. Review status: criteria provided, single submitter. Criteria: Invitae Variant Classification Sherloc (09022015). Collection method: clinical testing. Allele origin: germline.

PreventionGenetics, part of Exact Sciences
Classification: Likely benign for PLEC-related condition. Last evaluated: 2025-06-30. Review status: criteria provided, single submitter. Criteria: ACMG Guidelines, 2015. Collection method: clinical testing. Allele origin: germline.
Comment: This variant is classified as likely benign based on ACMG/AMP sequence variant interpretation guidelines (Richards et al. 2015 PMID: 25741868, with internal and published modifications).

CeGaT Center for Human Genetics Tuebingen
Classification: Uncertain significance. Last evaluated: 2016-08-01. Review status: criteria provided, single submitter. Criteria: CeGaT Center For Human Genetics Tuebingen Variant Classification Criteria Version 2. Collection method: clinical testing. Allele origin: germline. Affected: yes. Observed: 1 variant allele.

Dr. Peter K. Rogan Lab, Western University
No classification provided (evidence only). Condition: Thyroid cancer, nonmedullary, 1. Review status: no classification provided. Collection method: in vitro. Allele origin: not applicable. Functional consequence: retained intron. Not counted in ClinVar's aggregate classification.